The following is an entry in ClinVar:

ClinVar aggregate classification (germline): Uncertain significance (1 of 4 stars; one submission).

Conditions:
Diamond-Blackfan anemia 5 (DBA5). Also called: RPL35A-Related Diamond-Blackfan Anemia. Identifiers: Orphanet 124, MedGen C2675859, MONDO:0012925, OMIM 612528.

Submission:

Labcorp Genetics (formerly Invitae), Labcorp
Classification: Uncertain significance for Diamond-Blackfan anemia 5. Last evaluated: 2024-05-04. Review status: criteria provided, single submitter. Criteria: Invitae Variant Classification Sherloc (09022015). Collection method: clinical testing. Allele origin: germline.
Comment: This sequence change replaces alanine, which is neutral and non-polar, with valine, which is neutral and non-polar, at codon 48 of the RPL35A protein (p.Ala48Val). This variant is not present in population databases (gnomAD no frequency). This variant has not been reported in the literature in individuals affected with RPL35A-related conditions. An algorithm developed to predict the effect of missense changes on protein structure and function (PolyPhen-2) suggests that this variant is likely to be tolerated. In summary, the available evidence is currently insufficient to determine the role of this variant in disease. Therefore, it has been classified as a Variant of Uncertain Significance.

NM_000996.4(RPL35A):c.143C>T (p.Ala48Val)

Genes: DRC9 (dynein regulatory complex subunit 9; minus strand), RPL35A (ribosomal protein L35a; plus strand). Cytogenetic location: 3q29.
Variant type: single nucleotide variant.
Coding change: c.143C>T on transcript NM_000996.4 (MANE Select); coding-DNA position 143, C replaced by T.
Protein change: p.Ala48Val; replaces alanine 48 with valine.
Molecular consequence: missense variant. On other transcripts: intron variant (3).
Genome position (GRCh38, 1-based): chr3:197,951,290, C>T. VCF-style: chr3-197951290-C-T. GRCh37 (hg19) VCF-style: chr3-197678161-C-T.
Other names: c.-374-5604G>A (NM_001323029.2); c.143C>T, p.Ala48Val (NM_001316311.2); c.-49-7239G>A (NM_001323028.2); c.-59-5604G>A (NM_032263.5); short protein forms A48V.
Identifiers: ClinVar variation 3618817 (VCV003618817.2).